The following is an entry in ClinVar:

NM_001130004.2(ACTN1):c.2255G>A (p.Arg752Gln)

Gene: ACTN1 (actinin alpha 1; minus strand). Cytogenetic location: 14q24.1.
Variant type: single nucleotide variant.
Coding change: c.2255G>A on transcript NM_001130004.2 (MANE Select); coding-DNA position 2255, G replaced by A.
Protein change: p.Arg752Gln; replaces arginine 752 with glutamine.
Molecular consequence: missense variant.
Genome position (GRCh38, 1-based): chr14:68,879,987, C>T on the plus strand (G>A on the coding strand, the complement: ACTN1 is on the minus strand). VCF-style: chr14-68879987-C-T. GRCh37 (hg19) VCF-style: chr14-69346704-C-T.
Other names: c.2255G>A, p.Arg752Gln (NM_001102.4, NM_001130005.2); c.2255G>A (NM_001130004.1); short protein forms R752Q.
Identifiers: ClinVar variation 42030 (VCV000042030.12), dbSNP rs387907347, ClinGen allele CA130964.

ClinVar aggregate classification (germline): Conflicting classifications of pathogenicity. Review status: criteria provided, conflicting classifications (1 of 4 stars). 9 submissions from 9 submitters: Pathogenic (1); Likely pathogenic (4); Uncertain significance (3). 1 of the submissions does not count toward it. Last evaluated 2025-12-29.

Conditions:
ACTN1-related disorder. Also called: ACTN1-related condition.
Platelet-type bleeding disorder 15 (BDPLT15). Also called: MACROTHROMBOCYTOPENIA, AUTOSOMAL DOMINANT, ACTN1-RELATED. Identifiers: Orphanet 140957, MedGen C3554663, MONDO:0014078, OMIM 615193.

Allele frequency attached by ClinVar (database versions not stated): gnomAD exomes below 0.00001 and 0.00001; ExAC 0.00001.
gnomAD v4.1: 6 of 1,614,150 alleles (0.00037%); highest among the groups gnomAD compares: Non-Finnish European, 0.00017%; no homozygotes.

Submissions (9):

Center for Genomic Medicine, Rigshospitalet, Copenhagen University Hospital
Classification: Likely pathogenic. Last evaluated: 2025-12-29. Review status: criteria provided, single submitter. Criteria: ACMG Guidelines, 2015. Collection method: clinical testing. Allele origin: germline.
Comment: Classification criteria: PS3, PS4_Moderate, PM2_Supporting, PP4

PreventionGenetics, part of Exact Sciences
Classification: Likely pathogenic for ACTN1-related condition. Last evaluated: 2025-06-11. Review status: criteria provided, single submitter. Criteria: ACMG Guidelines, 2015. Collection method: clinical testing. Allele origin: germline.
Comment: The ACTN1 c.2255G>A variant is predicted to result in the amino acid substitution p.Arg752Gln. This variant has been reported in individuals with macrothrombocytopaenia, macrocytosis, or thrombocytopenia (Kunishima et al. 2013. PubMed ID: 23434115; Faleschini et al. 2018. PubMed ID: 30351444; Bottega et al. 2015. PubMed ID: 25361813). In vitro functional studies in CHO cells indicates that the p.Arg752Gln variant results in actin filament disorganization, with ACTN1 colocalizing with less fine, shortened filaments and coarse distribution of unbound ACTN1 in the cytoplasm (Kunishima et al. 2013. PubMed ID: 23434115). An alternate missense change at the same amino acid position (p.Arg752Pro) has been reported in an individual who presented with macrothrombocytopenia (Westbury et al. 2015. PubMed ID: 25949529). This variant is reported in 0.0054% of alleles in individuals of East Asian descent in gnomAD. This variant is interpreted as likely pathogenic.

GeneDx
Classification: Likely pathogenic. Last evaluated: 2025-03-28. Review status: criteria provided, single submitter. Criteria: GeneDx Variant Classification Process June 2021. Collection method: clinical testing. Allele origin: germline. Affected: yes.
Comment: Identified in multiple families with clinical features of ACTN1-related platelet-type bleeding disorder in published literature (PMID: 23434115, 25361813, 30351444); Published functional studies demonstrate a damaging effect with this variant affecting cytoskeleton organization (PMID: 23434115); In silico analysis supports that this missense variant has a deleterious effect on protein structure/function; This variant is associated with the following publications: (PMID: Giangregorio[thesis]2018, 25361813, 30351444, 28856919, 27348543, 39918740, 38158197, 31365757, 23434115, 26312134, 32757236)

Women's Health and Genetics/Laboratory Corporation of America, LabCorp
Classification: Uncertain significance. Last evaluated: 2025-01-15. Review status: criteria provided, single submitter. Criteria: LabCorp Variant Classification Summary - May 2015. Collection method: clinical testing. Allele origin: germline.
Comment: Variant summary: ACTN1 c.2255G>A (p.Arg752Gln) results in a conservative amino acid change in the encoded protein sequence. Four of five in-silico tools predict a damaging effect of the variant on protein function. The variant allele was found at a frequency of 1.2e-05 in 251400 control chromosomes (gnomAD). c.2255G>A has been reported in the literature in individuals affected with congenital Macrothrombocytopenia (Kunishima_2013, Bottega_2014, Faleschini_2018). These data indicate that the variant may be associated with disease. To our knowledge, no experimental evidence demonstrating an impact on protein function has been reported. The following publications have been ascertained in the context of this evaluation (PMID: 25361813, 30351444, 23434115). ClinVar contains an entry for this variant (Variation ID: 42030). Based on the evidence outlined above, the variant was classified as VUS-possibly pathogenic.

Mayo Clinic Laboratories, Mayo Clinic
Classification: Likely pathogenic. Last evaluated: 2024-06-26. Review status: criteria provided, single submitter. Criteria: ACMG Guidelines, 2015. Collection method: clinical testing. Allele origin: germline. Observed: 1 variant allele.
Comment: PP2, PM1_supporting, PM2, PS3_supporting, PS4_moderate

Blueprint Genetics
Classification: Pathogenic for ACTN1-related disorders. Last evaluated: 2023-03-20. Review status: criteria provided, single submitter. Criteria: ACMG Guidelines, 2015. Collection method: clinical testing. Allele origin: germline. Affected: yes. Observed: 5 variant alleles.

Labcorp Genetics (formerly Invitae), Labcorp
Classification: Uncertain significance. Last evaluated: 2023-03-20. Review status: criteria provided, single submitter. Criteria: Invitae Variant Classification Sherloc (09022015). Collection method: clinical testing. Allele origin: germline.
Comment: Experimental studies have shown that this missense change affects ACTN1 function (PMID: 23434115, 31365757). This sequence change replaces arginine, which is basic and polar, with glutamine, which is neutral and polar, at codon 752 of the ACTN1 protein (p.Arg752Gln). This variant is present in population databases (rs387907347, gnomAD 0.006%). This missense change has been observed in individual(s) with ACTN1-related conditions (PMID: 23434115, 25361813, 30351444). ClinVar contains an entry for this variant (Variation ID: 42030). An algorithm developed to predict the effect of missense changes on protein structure and function (PolyPhen-2) suggests that this variant is likely to be disruptive. In summary, the available evidence is currently insufficient to determine the role of this variant in disease. Therefore, it has been classified as a Variant of Uncertain Significance.

ISTH-SSC Genomics in Thrombosis and Hemostasis, KU Leuven, Center for Molecular and Vascular Biology
Classification: Uncertain significance for Platelet-type bleeding disorder 15. Review status: criteria provided, single submitter. Criteria: ACMG Guidelines, 2015. Collection method: clinical testing. Allele origin: germline. Affected: yes. Observed: 1 heterozygote.
Comment: Submitted to the GoldVariant database by Dr Marie-Christine Morel-Kopp; Northern Blood Research Centre, Sydney, Australia

OMIM
Classification: Pathogenic for BLEEDING DISORDER, PLATELET-TYPE, 15. Last evaluated: 2013-03-07. Review status: no assertion criteria provided. Collection method: literature only. Allele origin: germline. Not counted in ClinVar's aggregate classification.

Literature cited by the submitters: PubMed 23434115 (cited by 5 submitters); PubMed 25361813 (cited by 3 submitters); PubMed 30351444 (cited by 3 submitters); PubMed 26312134 (cited by Mayo Clinic Laboratories, Mayo Clinic); PubMed 27348543 (cited by Mayo Clinic Laboratories, Mayo Clinic); PubMed 28856919 (cited by Mayo Clinic Laboratories, Mayo Clinic); PubMed 31365757 (cited by Mayo Clinic Laboratories, Mayo Clinic and Labcorp Genetics (formerly Invitae), Labcorp); PubMed 32757236 (cited by Mayo Clinic Laboratories, Mayo Clinic); PubMed 38158197 (cited by Mayo Clinic Laboratories, Mayo Clinic).